The following is an entry in ClinVar:

ClinVar aggregate classification (germline): Uncertain significance. Review status: criteria provided, multiple submitters, no conflicts (2 of 4 stars). 2 submissions from 2 submitters: Uncertain significance (2). Last evaluated 2024-06-10.

Conditions:
Inborn genetic diseases. Identifiers: MedGen C0950123, MeSH D030342.

Allele frequency attached by ClinVar (database versions not stated): TOPMed below 0.00001; gnomAD 0.00001.
gnomAD v4.1: 6 of 1,547,646 alleles (0.00039%); highest among the groups gnomAD compares: East Asian, 0.0049%; no homozygotes.

Submissions (2):

Ambry Genetics
Classification: Uncertain significance for Inborn genetic diseases. Last evaluated: 2024-06-10. Review status: criteria provided, single submitter. Criteria: Ambry Variant Classification Scheme 2023. Collection method: clinical testing. Allele origin: germline.

Labcorp Genetics (formerly Invitae), Labcorp
Classification: Uncertain significance. Last evaluated: 2022-07-11. Review status: criteria provided, single submitter. Criteria: Invitae Variant Classification Sherloc (09022015). Collection method: clinical testing. Allele origin: germline.
Comment: This sequence change replaces arginine, which is basic and polar, with cysteine, which is neutral and slightly polar, at codon 9 of the RIN2 protein (p.Arg9Cys). The frequency data for this variant in the population databases is considered unreliable, as metrics indicate poor data quality at this position in the gnomAD database. This variant has not been reported in the literature in individuals affected with RIN2-related conditions. Algorithms developed to predict the effect of missense changes on protein structure and function output the following: SIFT: "Deleterious"; PolyPhen-2: "Not Available"; Align-GVGD: "Class C0". The cysteine amino acid residue is found in multiple mammalian species, which suggests that this missense change does not adversely affect protein function. In summary, the available evidence is currently insufficient to determine the role of this variant in disease. Therefore, it has been classified as a Variant of Uncertain Significance.

NM_018993.4(RIN2):c.25C>T (p.Arg9Cys)

Gene: RIN2 (Ras and Rab interactor 2; plus strand). Cytogenetic location: 20p11.23.
Variant type: single nucleotide variant.
Coding change: c.25C>T on transcript NM_018993.4 (MANE Select); coding-DNA position 25, C replaced by T.
Protein change: p.Arg9Cys; replaces arginine 9 with cysteine.
Molecular consequence: missense variant. On other transcripts: 5 prime UTR variant (1).
Genome position (GRCh38, 1-based): chr20:19,889,626, C>T. VCF-style: chr20-19889626-C-T. GRCh37 (hg19) VCF-style: chr20-19870270-C-T.
Other names: c.172C>T, p.Arg58Cys (NM_001242581.2); c.-521C>T (NM_001378238.1); c.25C>T (NM_018993.3); short protein forms R58C, R9C.
Identifiers: ClinVar variation 1979544 (VCV001979544.2), dbSNP rs779949955, ClinGen allele CA9779682.